The following is an entry in ClinVar:

NM_012448.4(STAT5B):c.1208T>G (p.Met403Arg)

Gene: STAT5B (signal transducer and activator of transcription 5B; minus strand). Cytogenetic location: 17q21.2.
Variant type: single nucleotide variant.
Coding change: c.1208T>G on transcript NM_012448.4 (MANE Select); coding-DNA position 1208, T replaced by G.
Protein change: p.Met403Arg; replaces methionine 403 with arginine.
Molecular consequence: missense variant.
Genome position (GRCh38, 1-based): chr17:42,217,426, A>C on the plus strand (T>G on the coding strand, the complement: STAT5B is on the minus strand). VCF-style: chr17-42217426-A-C. GRCh37 (hg19) VCF-style: chr17-40369444-A-C.
Other names: short protein forms M403R.
Identifiers: ClinVar variation 1184345 (VCV001184345.1), dbSNP rs2080181603, ClinGen allele CA399582035.

ClinVar aggregate classification (germline): Uncertain significance (1 of 4 stars; one submission).

Conditions:
Growth hormone insensitivity with immune dysregulation 1, autosomal recessive. Also called: GROWTH HORMONE INSENSITIVITY SYNDROME WITH IMMUNE DYSREGULATION 1, AUTOSOMAL RECESSIVE; Laron syndrome with immunodeficiency; GROWTH HORMONE INSENSITIVITY DUE TO POSTRECEPTOR DEFECT; LARON SYNDROME DUE TO POSTRECEPTOR DEFECT. Identifiers: Orphanet 220465, MedGen C5435698, MONDO:0100211, OMIM 245590.

Submission:

New York Genome Center
Classification: Uncertain significance for Growth hormone insensitivity with immune dysregulation 1, autosomal recessive. Last evaluated: 2020-06-19. Review status: criteria provided, single submitter. Criteria: NYGC Assertion Criteria 2020. Collection method: clinical testing. Allele origin: inherited. Observed: 1 compound heterozygote. Study: CSER-NYCKidSeq.
Comment: The inherited heterozygous p.Met403Arg missense variant in the STAT5B gene has not been reported in affected individuals in the literature. The variant is absent from the gnomAD(v3) database indicating it is an extremely rare allele in the general population. The variant affects an evolutionarily conserved residue is predicted deleterious by multiple in silico prediction tools. Based on the available evidence, the inherited heterozygous p.Met403Arg missense variant identified in the STAT5B gene is assessed as a variant of uncertain significance.